The following is an entry in ClinVar:

NM_005188.4(CBL):c.481A>C (p.Met161Leu)

Gene: CBL (Cbl proto-oncogene; plus strand). Cytogenetic location: 11q23.3.
Variant type: single nucleotide variant.
Coding change: c.481A>C on transcript NM_005188.4 (MANE Select); coding-DNA position 481, A replaced by C.
Protein change: p.Met161Leu; replaces methionine 161 with leucine.
Molecular consequence: missense variant.
Genome position (GRCh38, 1-based): chr11:119,271,772, A>C. VCF-style: chr11-119271772-A-C. GRCh37 (hg19) VCF-style: chr11-119142482-A-C.
Other names: short protein forms M161L.
Identifiers: ClinVar variation 2784433 (VCV002784433.3), dbSNP rs776426602, ClinGen allele CA6318279.

ClinVar aggregate classification (germline): Uncertain significance (1 of 4 stars; one submission).

Conditions:
RASopathy. Also called: Noonan spectrum disorder; rasopathies. Identifiers: Orphanet 536391, MedGen C5555857, MONDO:0021060.

Allele frequency attached by ClinVar (database versions not stated): ExAC 0.00001.

Submission:

Labcorp Genetics (formerly Invitae), Labcorp
Classification: Uncertain significance for RASopathy. Last evaluated: 2025-10-13. Review status: criteria provided, single submitter. Criteria: Invitae Variant Classification Sherloc (09022015). Collection method: clinical testing. Allele origin: germline.
Comment: This sequence change replaces methionine, which is neutral and non-polar, with leucine, which is neutral and non-polar, at codon 161 of the CBL protein (p.Met161Leu). This variant is present in population databases (rs776426602, gnomAD 0.0009%). This variant has not been reported in the literature in individuals affected with CBL-related conditions. ClinVar contains an entry for this variant (Variation ID: 2784433). Invitae Evidence Modeling of protein sequence and biophysical properties (such as structural, functional, and spatial information, amino acid conservation, physicochemical variation, residue mobility, and thermodynamic stability) indicates that this missense variant is not expected to disrupt CBL protein function with a negative predictive value of 95%. In summary, the available evidence is currently insufficient to determine the role of this variant in disease. Therefore, it has been classified as a Variant of Uncertain Significance.